The following is an entry in ClinVar:

ClinVar aggregate classification (germline): Uncertain significance. Review status: criteria provided, multiple submitters, no conflicts (2 of 4 stars). 2 submissions from 2 submitters: Uncertain significance (2). Last evaluated 2024-04-25.

Conditions:
Mendelian susceptibility to mycobacterial diseases due to complete IL12RB1 deficiency. Also called: IL12RB1 DEFICIENCY; Immunodeficiency 30. Identifiers: Orphanet 319552, MedGen C4013949, MONDO:0013955, OMIM 614891.

Allele frequency attached by ClinVar (database versions not stated): gnomAD exomes 0.00002; TOPMed 0.00003.
gnomAD v4.1: 30 of 1,613,208 alleles (0.0019%); highest among the groups gnomAD compares: African/African-American, 0.008%; no homozygotes.

Submissions (2):

Blueprint Genetics
Classification: Uncertain significance. Last evaluated: 2024-04-25. Review status: criteria provided, single submitter. Criteria: ACMG Guidelines, 2015. Collection method: clinical testing. Allele origin: germline.

Labcorp Genetics (formerly Invitae), Labcorp
Classification: Uncertain significance for Mendelian susceptibility to mycobacterial diseases due to complete IL12RB1 deficiency. Last evaluated: 2024-02-24. Review status: criteria provided, single submitter. Criteria: Invitae Variant Classification Sherloc (09022015). Collection method: clinical testing. Allele origin: germline.
Comment: This sequence change replaces arginine, which is basic and polar, with histidine, which is basic and polar, at codon 536 of the IL12RB1 protein (p.Arg536His). This variant is present in population databases (rs374732718, gnomAD 0.007%). This variant has not been reported in the literature in individuals affected with IL12RB1-related conditions. ClinVar contains an entry for this variant (Variation ID: 2416466). Advanced modeling of protein sequence and biophysical properties (such as structural, functional, and spatial information, amino acid conservation, physicochemical variation, residue mobility, and thermodynamic stability) performed at Invitae indicates that this missense variant is not expected to disrupt IL12RB1 protein function with a negative predictive value of 80%. In summary, the available evidence is currently insufficient to determine the role of this variant in disease. Therefore, it has been classified as a Variant of Uncertain Significance.

NM_005535.3(IL12RB1):c.1607G>A (p.Arg536His)

Gene: IL12RB1 (interleukin 12 receptor subunit beta 1; minus strand). Cytogenetic location: 19p13.11.
Variant type: single nucleotide variant.
Coding change: c.1607G>A on transcript NM_005535.3 (MANE Select); coding-DNA position 1607, G replaced by A.
Protein change: p.Arg536His; replaces arginine 536 with histidine.
Molecular consequence: missense variant.
Genome position (GRCh38, 1-based): chr19:18,063,887, C>T on the plus strand (G>A on the coding strand, the complement: IL12RB1 is on the minus strand). VCF-style: chr19-18063887-C-T. GRCh37 (hg19) VCF-style: chr19-18174697-C-T.
Other names: c.1607G>A, p.Arg536His (NM_001290023.2); c.1727G>A, p.Arg576His (NM_001290024.2); short protein forms R536H, R576H.
Identifiers: ClinVar variation 2416466 (VCV002416466.7), dbSNP rs374732718, ClinGen allele CA306160867.
Genomic context (GRCh38, chr19:18,063,887, plus strand): 5'-AGTGCAGTGCATGCTGGGTAAATAACTGGGTCCTACCCCCTCCACTCACCGATGCTGAAG[C>T]GCTGGGGCTGGCTCCAGACACCCCTCAGCCACGCTGTGTCTGCTCGCACCTGCACCGTGT-3'
Protein context (NP_005526.1, residues 526-546): WLRGVWSQPQ[Arg536His]FSIEVQVSDW